The following is an entry in ClinVar:

ClinVar aggregate classification (germline): Pathogenic (1 of 4 stars; one submission).

Submission:

GeneDx
Classification: Pathogenic. Last evaluated: 2025-01-27. Review status: criteria provided, single submitter. Criteria: GeneDx Variant Classification Process June 2021. Collection method: clinical testing. Allele origin: germline. Affected: yes.
Comment: Has been observed (reported as del1587TGAAA due to use of alternate nomenclature) in a patient with clinical features suggestive of Coffin-Lowtry syndrome; patient specific details were not provided in this report (PMID: 9837815); Frameshift variant predicted to result in protein truncation or nonsense mediated decay in a gene for which loss of function is a known mechanism of disease; Not observed at significant frequency in large population cohorts (gnomAD); This variant is associated with the following publications: (PMID: 9837815)

NM_004586.3(RPS6KA3):c.1487_1491del (p.Met496fs)

Gene: RPS6KA3 (ribosomal protein S6 kinase A3; minus strand). Cytogenetic location: Xp22.12.
Variant type: Deletion.
Coding change: c.1487_1491del on transcript NM_004586.3 (MANE Select); coding-DNA positions 1487 to 1491, 5 bases deleted (TGAAA; older notation c.1487_1491delTGAAA).
Protein change: p.Met496fs; shifts the reading frame from methionine 496.
Molecular consequence: frameshift variant.
Genome position (GRCh38, 1-based): chrX:20,167,700-20,167,704, TTTCA deleted on the plus strand (TGAAA on the coding strand, the reverse complement: RPS6KA3 is on the minus strand); deleting any 5 consecutive bases within chrX:20,167,700-20,167,705 gives the same sequence; the c. name uses the placement nearest the transcript's 3' end. VCF-style (leftmost placement, unchanged base first): chrX-20167699-CTTTCA-C. GRCh37 (hg19) VCF-style: chrX-20185817-CTTTCA-C.
Other names: short protein forms M496fs.
Identifiers: ClinVar variation 4071553 (VCV004071553.1).